The following is an entry in ClinVar:

NM_020759.3(STARD9):c.10380C>G (p.His3460Gln)

Gene: STARD9 (StAR related lipid transfer domain containing 9; plus strand). Cytogenetic location: 15q15.2.
Variant type: single nucleotide variant.
Coding change: c.10380C>G on transcript NM_020759.3 (MANE Select); coding-DNA position 10380, C replaced by G.
Protein change: p.His3460Gln; replaces histidine 3460 with glutamine.
Molecular consequence: missense variant.
Genome position (GRCh38, 1-based): chr15:42,691,958, C>G. VCF-style: chr15-42691958-C-G. GRCh37 (hg19) VCF-style: chr15-42984156-C-G.
Other names: c.10380C>G (NM_020759.2); short protein forms H3460Q.
Identifiers: ClinVar variation 1675569 (VCV001675569.33), dbSNP rs201643568, ClinGen allele CA7514730.

ClinVar aggregate classification (germline): Conflicting classifications of pathogenicity. Review status: criteria provided, conflicting classifications (1 of 4 stars). 2 submissions from 2 submitters: Uncertain significance (1); Likely benign (1). Last evaluated 2025-11-12.

Allele frequency attached by ClinVar (database versions not stated): gnomAD 0.00171 and 0.00159; TOPMed 0.00174; gnomAD exomes 0.00182; ESP Exome Variant Server 0.00197; 1000 Genomes Project 30x 0.00047; 1000 Genomes Project 0.00060; ExAC 0.00114.

Submissions (2):

Ambry Genetics
Classification: Uncertain significance. Last evaluated: 2025-11-12. Review status: criteria provided, single submitter. Criteria: Ambry Variant Classification Scheme 2023. Collection method: clinical testing. Allele origin: germline.

CeGaT Center for Human Genetics Tuebingen
Classification: Likely benign. Last evaluated: 2025-01-01. Review status: criteria provided, single submitter. Criteria: CeGaT Center For Human Genetics Tuebingen Variant Classification Criteria Version 2. Collection method: clinical testing. Allele origin: germline. Affected: yes. Observed: 3 variant alleles.
Comment: STARD9: BP4, BS2